The following is an entry in ClinVar:

NM_004517.4(ILK):c.619-12C>A

Genes: ILK (integrin linked kinase; plus strand), TAF10 (TATA-box binding protein associated factor 10; minus strand). Cytogenetic location: 11p15.4.
Variant type: single nucleotide variant.
Coding change: c.619-12C>A on transcript NM_004517.4 (MANE Select); 12 bases into the intron before coding-DNA position 619, C replaced by A.
Molecular consequence: intron variant. On other transcripts: 3 prime UTR variant (1).
Genome position (GRCh38, 1-based): chr11:6,609,287, C>A. VCF-style: chr11-6609287-C-A. GRCh37 (hg19) VCF-style: chr11-6630518-C-A.
Other names: c.*1635G>T (NM_006284.4); c.619-12C>A (NM_001014795.3, NM_001014794.3); c.436-12C>A (NM_001278441.2); c.217-12C>A (NM_001278442.2).
Identifiers: ClinVar variation 681504 (VCV000681504.4), dbSNP rs1300032922, ClinGen allele CA597439494.

ClinVar aggregate classification (germline): Likely benign. Review status: criteria provided, multiple submitters, no conflicts (2 of 4 stars). 2 submissions from 2 submitters: Likely benign (2). Last evaluated 2024-12-12.

Conditions:
Primary familial hypertrophic cardiomyopathy (HCM). Identifiers: Orphanet 99739, MedGen C0949658, MeSH D024741, MONDO:0024573. Inheritance: Various modes of inheritance.

Allele frequency attached by ClinVar (database versions not stated): TOPMed 0.00001; gnomAD 0.00003.
gnomAD v4.1: 6 of 1,612,902 alleles (0.00037%); highest among the groups gnomAD compares: African/African-American, 0.0067%; no homozygotes.

Submissions (2):

Labcorp Genetics (formerly Invitae), Labcorp
Classification: Likely benign for Primary familial hypertrophic cardiomyopathy. Last evaluated: 2024-12-12. Review status: criteria provided, single submitter. Criteria: Invitae Variant Classification Sherloc (09022015). Collection method: clinical testing. Allele origin: germline.

GeneDx
Classification: Likely benign. Last evaluated: 2018-04-05. Review status: criteria provided, single submitter. Criteria: GeneDx Variant Classification (06012015). Collection method: clinical testing. Allele origin: germline. Affected: yes.
Comment: This variant is considered likely benign or benign based on one or more of the following criteria: it is a conservative change, it occurs at a poorly conserved position in the protein, it is predicted to be benign by multiple in silico algorithms, and/or has population frequency not consistent with disease.